The following is an entry in ClinVar:

ClinVar aggregate classification (germline): Uncertain significance (1 of 4 stars; one submission).

Conditions:
Cone-rod dystrophy 6 (CORD6). Also called: Cone dystrophy progressive; RETINAL CONE DYSTROPHY 2. Identifiers: Orphanet 1872, MedGen C1866293, MONDO:0011143, OMIM 601777.
Leber congenital amaurosis 1 (LCA1). Also called: Congenital absence of the rods and cones; Leber's congenital tapetoretinal degeneration; Leber's congenital tapetoretinal dysplasia; AMAUROSIS CONGENITA OF LEBER I; RETINAL BLINDNESS, CONGENITAL. Identifiers: Orphanet 65, MedGen C2931258, MONDO:0008764, OMIM 204000.

Allele frequency attached by ClinVar (database versions not stated): TOPMed below 0.00001.
gnomAD v4.1: 4 of 1,611,270 alleles (0.00025%); highest among the groups gnomAD compares: Non-Finnish European, 0.00034%; no homozygotes.

Submission:

Labcorp Genetics (formerly Invitae), Labcorp
Classification: Uncertain significance for Leber congenital amaurosis 1; Cone-rod dystrophy 6. Last evaluated: 2023-06-21. Review status: criteria provided, single submitter. Criteria: Invitae Variant Classification Sherloc (09022015). Collection method: clinical testing. Allele origin: germline.
Comment: This sequence change replaces histidine, which is basic and polar, with tyrosine, which is neutral and polar, at codon 980 of the GUCY2D protein (p.His980Tyr). This variant is not present in population databases (gnomAD no frequency). This missense change has been observed in individual(s) with leber congenital amaurosis (Invitae). Advanced modeling of protein sequence and biophysical properties (such as structural, functional, and spatial information, amino acid conservation, physicochemical variation, residue mobility, and thermodynamic stability) performed at Invitae indicates that this missense variant is expected to disrupt GUCY2D protein function. This variant disrupts the p.His980 amino acid residue in GUCY2D. Other variant(s) that disrupt this residue have been observed in individuals with GUCY2D-related conditions (PMID: 17964524), which suggests that this may be a clinically significant amino acid residue. In summary, the available evidence is currently insufficient to determine the role of this variant in disease. Therefore, it has been classified as a Variant of Uncertain Significance.

Literature cited by the submitters: PubMed 17964524.

NM_000180.4(GUCY2D):c.2938C>T (p.His980Tyr)

Gene: GUCY2D (guanylate cyclase 2D, retinal; plus strand). Cytogenetic location: 17p13.1.
Variant type: single nucleotide variant.
Coding change: c.2938C>T on transcript NM_000180.4 (MANE Select); coding-DNA position 2938, C replaced by T.
Protein change: p.His980Tyr; replaces histidine 980 with tyrosine.
Molecular consequence: missense variant.
Genome position (GRCh38, 1-based): chr17:8,015,496, C>T. VCF-style: chr17-8015496-C-T. GRCh37 (hg19) VCF-style: chr17-7918814-C-T.
Other names: short protein forms H980Y.
Identifiers: ClinVar variation 2949120 (VCV002949120.3), dbSNP rs1975949609, ClinGen allele CA397954995.